The following is an entry in ClinVar:

NM_004385.5(VCAN):c.5217G>C (p.Glu1739Asp)

Genes: VCAN (versican; plus strand), VCAN-AS1 (VCAN antisense RNA 1; minus strand). Cytogenetic location: 5q14.3.
Variant type: single nucleotide variant.
Coding change: c.5217G>C on transcript NM_004385.5 (MANE Select); coding-DNA position 5217, G replaced by C.
Protein change: p.Glu1739Asp; replaces glutamic acid 1739 with aspartic acid.
Molecular consequence: missense variant. On other transcripts: intron variant (2).
Genome position (GRCh38, 1-based): chr5:83,538,220, G>C. VCF-style: chr5-83538220-G-C. GRCh37 (hg19) VCF-style: chr5-82834039-G-C.
Other names: c.2256G>C, p.Glu752Asp (NM_001164097.2); c.4004-7317G>C (NM_001164098.2); c.1043-7317G>C (NM_001126336.3); short protein forms E752D, E1739D.
Identifiers: ClinVar variation 2696703 (VCV002696703.3), dbSNP rs2479107262, ClinGen allele CA360309929.

ClinVar aggregate classification (germline): Uncertain significance (1 of 4 stars; one submission).

Allele frequency attached by ClinVar (database versions not stated): gnomAD exomes below 0.00001.
gnomAD v4.1: 1 of 1,613,208 alleles (0.000062%); highest among the groups gnomAD compares: Non-Finnish European, 0.000085%; no homozygotes.

Submission:

Labcorp Genetics (formerly Invitae), Labcorp
Classification: Uncertain significance. Last evaluated: 2023-11-21. Review status: criteria provided, single submitter. Criteria: Invitae Variant Classification Sherloc (09022015). Collection method: clinical testing. Allele origin: germline.
Comment: This sequence change replaces glutamic acid, which is acidic and polar, with aspartic acid, which is acidic and polar, at codon 1739 of the VCAN protein (p.Glu1739Asp). This variant is not present in population databases (gnomAD no frequency). This variant has not been reported in the literature in individuals affected with VCAN-related conditions. An algorithm developed to predict the effect of missense changes on protein structure and function (PolyPhen-2) suggests that this variant is likely to be tolerated. In summary, the available evidence is currently insufficient to determine the role of this variant in disease. Therefore, it has been classified as a Variant of Uncertain Significance.